The following is an entry in ClinVar:

ClinVar aggregate classification (germline): Conflicting classifications of pathogenicity. Review status: criteria provided, conflicting classifications (1 of 4 stars). 4 submissions from 4 submitters: Uncertain significance (1); Likely benign (3). Last evaluated 2024-10-22.

Conditions:
Duchenne muscular dystrophy (DMD). Also called: MUSCULAR DYSTROPHY, PSEUDOHYPERTROPHIC PROGRESSIVE, DUCHENNE TYPE; Duchenne Muscular Dystrophy (DMD). Identifiers: Orphanet 98896, MedGen C0013264, MONDO:0010679, OMIM 310200.
Cardiovascular phenotype. Identifiers: MedGen CN230736.

Allele frequency attached by ClinVar (database versions not stated): gnomAD exomes below 0.00001 and 0.00001; TOPMed below 0.00001; ExAC 0.00001; gnomAD 0.00002.
gnomAD v4.1: 5 of 1,206,238 alleles (0.00041%); highest among the groups gnomAD compares: Non-Finnish European, 0.00056%; no homozygotes.

Submissions (4):

Labcorp Genetics (formerly Invitae), Labcorp
Classification: Likely benign for Duchenne muscular dystrophy. Last evaluated: 2024-10-22. Review status: criteria provided, single submitter. Criteria: Invitae Variant Classification Sherloc (09022015). Collection method: clinical testing. Allele origin: germline.

Ambry Genetics
Classification: Likely benign for Cardiovascular phenotype. Last evaluated: 2022-11-07. Review status: criteria provided, single submitter. Criteria: Ambry Variant Classification Scheme 2023. Collection method: clinical testing. Allele origin: germline.

CeGaT Center for Human Genetics Tuebingen
Classification: Likely benign. Last evaluated: 2022-08-01. Review status: criteria provided, single submitter. Criteria: CeGaT Center For Human Genetics Tuebingen Variant Classification Criteria Version 2. Collection method: clinical testing. Allele origin: germline. Affected: yes. Observed: 1 variant allele.
Comment: DMD: BP4, BP7

Eurofins Ntd Llc (ga)
Classification: Uncertain significance. Last evaluated: 2017-01-04. Review status: criteria provided, single submitter. Criteria: EGL Classification Definitions 2015. Collection method: clinical testing. Allele origin: germline. Observed: 1 variant allele, 1 hemizygote.

NM_004006.3(DMD):c.159C>A (p.Leu53=)

Gene: DMD (dystrophin; minus strand). Cytogenetic location: Xp21.1.
Variant type: single nucleotide variant.
Coding change: c.159C>A on transcript NM_004006.3 (MANE Select); coding-DNA position 159, C replaced by A.
Protein change: p.Leu53=; no amino-acid change (leucine 53 retained).
Molecular consequence: synonymous variant. On other transcripts: 5 prime UTR variant (1).
Genome position (GRCh38, 1-based): chrX:32,849,755, G>T on the plus strand (C>A on the coding strand, the complement: DMD is on the minus strand). VCF-style: chrX-32849755-G-T. GRCh37 (hg19) VCF-style: chrX-32867872-G-T.
Other names: c.135C>A, p.Leu45= (NM_000109.4); c.147C>A, p.Leu49= (NM_004009.3); c.-211C>A (NM_004010.3).
Identifiers: ClinVar variation 499320 (VCV000499320.42), dbSNP rs762245872, ClinGen allele CA10380248.